The following is an entry in ClinVar:

ClinVar aggregate classification (germline): Uncertain significance (1 of 4 stars; one submission).

Allele frequency attached by ClinVar (database versions not stated): gnomAD exomes below 0.00001.
gnomAD v4.1: 5 of 1,613,866 alleles (0.00031%); highest among the groups gnomAD compares: Non-Finnish European, 0.00034%; no homozygotes.

Submission:

Labcorp Genetics (formerly Invitae), Labcorp
Classification: Uncertain significance. Last evaluated: 2022-09-19. Review status: criteria provided, single submitter. Criteria: Invitae Variant Classification Sherloc (09022015). Collection method: clinical testing. Allele origin: germline.
Comment: Advanced modeling of protein sequence and biophysical properties (such as structural, functional, and spatial information, amino acid conservation, physicochemical variation, residue mobility, and thermodynamic stability) performed at Invitae indicates that this missense variant is not expected to disrupt CSF2RB protein function. In summary, the available evidence is currently insufficient to determine the role of this variant in disease. Therefore, it has been classified as a Variant of Uncertain Significance. This sequence change replaces proline, which is neutral and non-polar, with serine, which is neutral and polar, at codon 574 of the CSF2RB protein (p.Pro574Ser). This variant is present in population databases (no rsID available, gnomAD 0.0009%). This variant has not been reported in the literature in individuals affected with CSF2RB-related conditions.

NM_000395.3(CSF2RB):c.1720C>T (p.Pro574Ser)

Gene: CSF2RB (colony stimulating factor 2 receptor subunit beta; plus strand). Cytogenetic location: 22q12.3.
Variant type: single nucleotide variant.
Coding change: c.1720C>T on transcript NM_000395.3 (MANE Select); coding-DNA position 1720, C replaced by T.
Protein change: p.Pro574Ser; replaces proline 574 with serine.
Molecular consequence: missense variant.
Genome position (GRCh38, 1-based): chr22:36,937,528, C>T. VCF-style: chr22-36937528-C-T. GRCh37 (hg19) VCF-style: chr22-37333570-C-T.
Other names: c.1738C>T, p.Pro580Ser (NM_001410827.1); short protein forms P580S, P574S.
Identifiers: ClinVar variation 1931728 (VCV001931728.5), dbSNP rs1447875228, ClinGen allele CA411410042.
Genomic context (GRCh38, chr22:36,937,528, plus strand): 5'-ACGACTCCAGCTGCCTCAGATCTACCCACAGAGCAGCCCCCCAGCCCCCAGCCAGGCCCG[C>T]CTGCCGCCTCCCACACACCTGAGAAACAGGCTTCCAGCTTTGACTTCAATGGGCCCTACC-3'
Protein context (NP_000386.1, residues 564-584): EQPPSPQPGP[Pro574Ser]AASHTPEKQA